The following is an entry in ClinVar:

NM_000051.4(ATM):c.4910-10T>A

Gene: ATM (ATM serine/threonine kinase; plus strand). Cytogenetic location: 11q22.3.
Variant type: single nucleotide variant.
Coding change: c.4910-10T>A on transcript NM_000051.4 (MANE Select); 10 bases into the intron before coding-DNA position 4910, T replaced by A.
Molecular consequence: intron variant.
Genome position (GRCh38, 1-based): chr11:108,297,277, T>A. VCF-style: chr11-108297277-T-A. GRCh37 (hg19) VCF-style: chr11-108168004-T-A.
Other names: c.4910-10T>A (NM_001351834.2).
Identifiers: ClinVar variation 3651981 (VCV003651981.2).
Genomic context (GRCh38, chr11:108,297,277, plus strand): 5'-TATATGCAATTATAAACAAAAGTGTTGTCTTCATGCTAGTTTAAACTAATTTTTAAAAAA[T>A]TATTTCTAGATAATCCGCAAGATGGGATTATGGTGAAACTAGTTGTCAATTTGTTGCAGT-3'

ClinVar aggregate classification (germline): Uncertain significance (1 of 4 stars; one submission).

Conditions:
Ataxia-telangiectasia syndrome (AT). Also called: ATAXIA-TELANGIECTASIA, COMPLEMENTATION GROUP A; ATAXIA-TELANGIECTASIA, FRESNO VARIANT; LOUIS-BAR SYNDROME; Ataxia-telangiectasia, complementation group D; Ataxia-telangiectasia, complementation group E; Cerebello-oculocutaneous telangiectasia. Identifiers: Orphanet 100, MedGen C0004135, MONDO:0008840, OMIM 208900.

Submission:

Labcorp Genetics (formerly Invitae), Labcorp
Classification: Uncertain significance for Ataxia-telangiectasia syndrome. Last evaluated: 2024-05-09. Review status: criteria provided, single submitter. Criteria: Invitae Variant Classification Sherloc (09022015). Collection method: clinical testing. Allele origin: germline.
Comment: This sequence change falls in intron 32 of the ATM gene. It does not directly change the encoded amino acid sequence of the ATM protein. This variant is not present in population databases (gnomAD no frequency). This variant has not been reported in the literature in individuals affected with ATM-related conditions. Algorithms developed to predict the effect of sequence changes on RNA splicing suggest that this variant may disrupt the consensus splice site. In summary, the available evidence is currently insufficient to determine the role of this variant in disease. Therefore, it has been classified as a Variant of Uncertain Significance.